The following is an entry in ClinVar:

NM_138477.4(CDAN1):c.1663A>G (p.Ser555Gly)

Gene: CDAN1 (codanin 1; minus strand). Cytogenetic location: 15q15.2.
Variant type: single nucleotide variant.
Coding change: c.1663A>G on transcript NM_138477.4 (MANE Select); coding-DNA position 1663, A replaced by G.
Protein change: p.Ser555Gly; replaces serine 555 with glycine.
Molecular consequence: missense variant.
Genome position (GRCh38, 1-based): chr15:42,731,696, T>C on the plus strand (A>G on the coding strand, the complement: CDAN1 is on the minus strand). VCF-style: chr15-42731696-T-C. GRCh37 (hg19) VCF-style: chr15-43023894-T-C.
Other names: c.1663A>G (NM_138477.2); short protein forms S555G.
Identifiers: ClinVar variation 2688747 (VCV002688747.4), dbSNP rs375920609, ClinGen allele CA7515981.

ClinVar aggregate classification (germline): Uncertain significance. Review status: criteria provided, multiple submitters, no conflicts (2 of 4 stars). 3 submissions from 3 submitters: Uncertain significance (3). Last evaluated 2024-11-11.

Conditions:
Anemia, congenital dyserythropoietic, type 1a (CDAN1A). Also called: DYSERYTHROPOIETIC ANEMIA, CONGENITAL, TYPE Ia; CDAN1-Related Congenital Dyserythropoietic Anemia. Identifiers: MedGen C5574667, MONDO:0009135, OMIM 224120.
Inborn genetic diseases. Identifiers: MedGen C0950123, MeSH D030342.

Allele frequency attached by ClinVar (database versions not stated): ExAC 0.00004; ESP Exome Variant Server 0.00008; TOPMed 0.00014; gnomAD 0.00015.

Submissions (3):

Ambry Genetics
Classification: Uncertain significance for Inborn genetic diseases. Last evaluated: 2024-11-11. Review status: criteria provided, single submitter. Criteria: Ambry Variant Classification Scheme 2023. Collection method: clinical testing. Allele origin: germline.

Revvity Omics, Revvity
Classification: Uncertain significance for Anemia, congenital dyserythropoietic, type 1a. Last evaluated: 2024-07-10. Review status: criteria provided, single submitter. Criteria: ACMG Guidelines, 2015. Collection method: clinical testing. Allele origin: germline.

Labcorp Genetics (formerly Invitae), Labcorp
Classification: Uncertain significance. Last evaluated: 2023-11-04. Review status: criteria provided, single submitter. Criteria: Invitae Variant Classification Sherloc (09022015). Collection method: clinical testing. Allele origin: germline.
Comment: This sequence change replaces serine, which is neutral and polar, with glycine, which is neutral and non-polar, at codon 555 of the CDAN1 protein (p.Ser555Gly). This variant is present in population databases (rs375920609, gnomAD 0.03%). This variant has not been reported in the literature in individuals affected with CDAN1-related conditions. Algorithms developed to predict the effect of missense changes on protein structure and function output the following: SIFT: "Not Available"; PolyPhen-2: "Benign"; Align-GVGD: "Not Available". The glycine amino acid residue is found in multiple mammalian species, which suggests that this missense change does not adversely affect protein function. In summary, the available evidence is currently insufficient to determine the role of this variant in disease. Therefore, it has been classified as a Variant of Uncertain Significance.